The following is an entry in ClinVar:

ClinVar aggregate classification (germline): Pathogenic (1 of 4 stars; one submission).

Conditions:
Fanconi anemia (FA). Also called: Fanconi's anemia. Identifiers: Orphanet 84, MedGen C0015625, MeSH D005199, MONDO:0019391.

Submission:

Labcorp Genetics (formerly Invitae), Labcorp
Classification: Pathogenic for Fanconi anemia. Last evaluated: 2023-09-15. Review status: criteria provided, single submitter. Criteria: Invitae Variant Classification Sherloc (09022015). Collection method: clinical testing. Allele origin: unknown.
Comment: For these reasons, this variant has been classified as Pathogenic. This variant has not been reported in the literature in individuals affected with FANCD2-related conditions. This variant is a gross deletion of the genomic region encompassing exon(s) 27-28 of the FANCD2 gene. This deletion is out-of-frame, and is expected to create a premature termination codon and result in an absent or disrupted protein product. Loss-of-function variants in FANCD2 are known to be pathogenic (PMID: 17436244).

Literature cited by the submitters: PubMed 17436244.

NC_000003.11:g.(?_10114535)_(10115066_?)del

Gene: FANCD2 (FA complementation group D2; plus strand). Cytogenetic location: 3p25.3.
Variant type: Deletion.
Identifiers: ClinVar variation 3246822 (VCV003246822.1).